The following is an entry in ClinVar:

NM_005633.4(SOS1):c.3697C>A (p.Leu1233Ile)

Gene: SOS1 (SOS Ras/Rac guanine nucleotide exchange factor 1; minus strand). Cytogenetic location: 2p22.1.
Variant type: single nucleotide variant.
Coding change: c.3697C>A on transcript NM_005633.4 (MANE Select); coding-DNA position 3697, C replaced by A.
Protein change: p.Leu1233Ile; replaces leucine 1233 with isoleucine.
Molecular consequence: missense variant.
Genome position (GRCh38, 1-based): chr2:38,986,129, G>T on the plus strand (C>A on the coding strand, the complement: SOS1 is on the minus strand). VCF-style: chr2-38986129-G-T. GRCh37 (hg19) VCF-style: chr2-39213270-G-T.
Other names: c.3676C>A, p.Leu1226Ile (NM_001382394.1); c.3652C>A, p.Leu1218Ile (NM_001382395.1); short protein forms L1233I, L1218I, L1226I.
Identifiers: ClinVar variation 280523 (VCV000280523.11), dbSNP rs777373438, ClinGen allele CA1624127.
Genomic context (GRCh38, chr2:38,986,129, plus strand): 5'-GGCTGTTTGGGAAGAAGGCATTGCCATGGTCACTTTTTTTGCCCAAAGGGGGAGGTTGGA[G>T]ATGTAGTGGTGAGCTTGAGAAAACATCAGGTGTCCTCACAGGTTCTCGTGGTGGTAATAA-3'
Protein context (NP_005624.2, residues 1223-1243): PDVFSSSPLH[Leu1233Ile]QPPPLGKKSD

ClinVar aggregate classification (germline): Conflicting classifications of pathogenicity. Review status: criteria provided, conflicting classifications (1 of 4 stars). 5 submissions from 4 submitters: Uncertain significance (3); Likely benign (1). 1 of the submissions does not count toward it. Last evaluated 2025-03-03.

Conditions:
Noonan syndrome 4 (NS4). Also called: SOS1-Related Noonan Syndrome; NOONAN SYNDROME WITH PIGMENTED VILLONODULAR SYNOVITIS. Identifiers: Orphanet 648, MedGen C1853120, MONDO:0012547, OMIM 610733.
Fibromatosis, gingival, 1 (GINGF1). Identifiers: Orphanet 2024, MedGen C4551558, MONDO:0007609, OMIM 135300.
Noonan syndrome (NS). Also called: Noonan's syndrome. Identifiers: Orphanet 648, MedGen C0028326, MeSH D009634, MONDO:0018997. Disease mechanism: gain of function.
RASopathy. Also called: Noonan spectrum disorder; rasopathies. Identifiers: Orphanet 536391, MedGen C5555857, MONDO:0021060.

Allele frequency attached by ClinVar (database versions not stated): gnomAD 0.00001 and 0.00003.
gnomAD v4.1: 9 of 1,613,746 alleles (0.00056%); highest among the groups gnomAD compares: Middle Eastern, 0.016%; no homozygotes.

Submissions (5):

Labcorp Genetics (formerly Invitae), Labcorp
Classification: Likely benign for RASopathy. Last evaluated: 2025-03-03. Review status: criteria provided, single submitter. Criteria: Invitae Variant Classification Sherloc (09022015). Collection method: clinical testing. Allele origin: germline.

GeneDx
Classification: Uncertain significance. Last evaluated: 2016-04-25. Review status: criteria provided, single submitter. Criteria: GeneDx Variant Classification (06012015). Collection method: clinical testing. Allele origin: germline. Affected: yes.
Comment: The L1233I variant has not been published as a pathogenic variant, nor has it been reported as a benign variant to our knowledge. It was not observed in approximately 6,500 individuals of European and African American ancestry in the NHLBI Exome Sequencing Project, indicating it is not a common benign variant in these populations. Although the L1233I variant is a conservative amino acid substitution, which is not likely to impact secondary protein structure as these residues share similar properties, this substitution does occur at a position that is conserved across species. Finally, in silico analysis is inconsistent in its predictions as to whether or not the variant is damaging to the protein structure/function.Therefore, based on the currently available information, it is unclear whether this variant is pathogenic or rare benign.

Genome-Nilou Lab
Classification: Uncertain significance for Noonan syndrome 4. Review status: criteria provided, single submitter. Criteria: ACMG Guidelines, 2015. Collection method: clinical testing. Allele origin: germline.

Genome-Nilou Lab
Classification: Uncertain significance for Fibromatosis, gingival, 1. Review status: criteria provided, single submitter. Criteria: ACMG Guidelines, 2015. Collection method: clinical testing. Allele origin: germline.

Service de Génétique Moléculaire, Hôpital Robert Debré
Classification: Likely benign for Noonan syndrome. Review status: no assertion criteria provided. Collection method: clinical testing. Allele origin: maternal. Affected: no. Not counted in ClinVar's aggregate classification.